The following is an entry in ClinVar:

NM_000337.6(SGCD):c.*2697T>C

Gene: SGCD (sarcoglycan delta; plus strand). Cytogenetic location: 5q33.3.
Variant type: single nucleotide variant.
Coding change: c.*2697T>C on transcript NM_000337.6 (MANE Select); 2697 bases downstream of the stop codon, T replaced by C.
Molecular consequence: 3 prime UTR variant.
Genome position (GRCh38, 1-based): chr5:156,762,087, T>C. VCF-style: chr5-156762087-T-C. GRCh37 (hg19) VCF-style: chr5-156189098-T-C.
Other names: c.*2697T>C (NM_001128209.2).
Identifiers: ClinVar variation 352363 (VCV000352363.6), dbSNP rs146249602, ClinGen allele CA10623855.

ClinVar aggregate classification (germline): Likely benign (1 of 4 stars; one submission).

Conditions:
Qualitative or quantitative defects of delta-sarcoglycan. Identifiers: Orphanet 207070, MedGen C5680806, MONDO:0016144.

Allele frequency attached by ClinVar (database versions not stated): 1000 Genomes Project 0.00140; 1000 Genomes Project 30x 0.00172; TOPMed 0.00700; gnomAD 0.00722.

Submission:

Illumina Laboratory Services, Illumina
Classification: Likely benign for Qualitative or quantitative defects of delta-sarcoglycan. Last evaluated: 2018-01-13. Review status: criteria provided, single submitter. Criteria: ICSL Variant Classification Criteria 13 December 2019. Collection method: clinical testing. Allele origin: germline.
Comment: This variant was observed in the ICSL laboratory as part of a predisposition screen in an ostensibly healthy population. It had not been previously curated by ICSL or reported in the Human Gene Mutation Database (HGMD: prior to June 1st, 2018), and was therefore a candidate for classification through an automated scoring system. Utilizing variant allele frequency, disease prevalence and penetrance estimates, and inheritance mode, an automated score was calculated to assess if this variant is too frequent to cause the disease. Based on the score and internal cut-off values, a variant classified as likely benign is not then subjected to further curation. The score for this variant resulted in a classification of likely benign for this disease.